The following is an entry in ClinVar:

NM_016366.3(CABP2):c.213+8C>T

Gene: CABP2 (calcium binding protein 2; minus strand). Cytogenetic location: 11q13.2.
Variant type: single nucleotide variant.
Coding change: c.213+8C>T on transcript NM_016366.3 (MANE Select); 8 bases into the intron after coding-DNA position 213, C replaced by T.
Molecular consequence: intron variant.
Genome position (GRCh38, 1-based): chr11:67,522,538, G>A on the plus strand (C>T on the coding strand, the complement: CABP2 is on the minus strand). VCF-style: chr11-67522538-G-A. GRCh37 (hg19) VCF-style: chr11-67290009-G-A.
Other names: c.231+4C>T (NM_001318496.2).
Identifiers: ClinVar variation 682299 (VCV000682299.1), dbSNP rs778803000, ClinGen allele CA6142568.

ClinVar aggregate classification (germline): Likely benign (1 of 4 stars; one submission).

Allele frequency attached by ClinVar (database versions not stated): ExAC below 0.00001; gnomAD 0.00001 and 0.00002; gnomAD exomes 0.00001; TOPMed 0.00002.
gnomAD v4.1: 19 of 1,553,454 alleles (0.0012%); highest among the groups gnomAD compares: East Asian, 0.0024%; no homozygotes.

Submission:

GeneDx
Classification: Likely benign. Last evaluated: 2018-04-30. Review status: criteria provided, single submitter. Criteria: GeneDx Variant Classification (06012015). Collection method: clinical testing. Allele origin: germline. Affected: yes.
Comment: This variant is considered likely benign or benign based on one or more of the following criteria: it is a conservative change, it occurs at a poorly conserved position in the protein, it is predicted to be benign by multiple in silico algorithms, and/or has population frequency not consistent with disease.